The following is an entry in ClinVar:

NM_001042492.3(NF1):c.4288_4289del (p.Lys1430fs)

Gene: NF1 (neurofibromin 1; plus strand). Cytogenetic location: 17q11.2.
Variant type: Deletion.
Coding change: c.4288_4289del on transcript NM_001042492.3 (MANE Select); coding-DNA positions 4288 to 4289, 2 bases deleted (AA; older notation c.4288_4289delAA).
Protein change: p.Lys1430fs; shifts the reading frame from lysine 1430.
Molecular consequence: frameshift variant.
Genome position (GRCh38, 1-based): chr17:31,258,458-31,258,459, AA deleted; deleting any 2 consecutive bases within chr17:31,258,455-31,258,459 gives the same sequence; the c. name uses the placement nearest the transcript's 3' end. VCF-style (leftmost placement, unchanged base first): chr17-31258454-TAA-T. GRCh37 (hg19) VCF-style: chr17-29585472-TAA-T.
Other names: c.4225_4226delAA (NM_000267.3); c.4225_4226delAA, p.Lys1409Alafs (NM_000267.4); short protein forms K1409fs, K1430fs.
Identifiers: ClinVar variation 3879123 (VCV003879123.1).

ClinVar aggregate classification (germline): Pathogenic (1 of 4 stars; one submission).

Conditions:
Cardiovascular phenotype. Identifiers: MedGen CN230736.
Hereditary cancer-predisposing syndrome. Also called: Tumor predisposition; Neoplastic Syndromes, Hereditary; Hereditary Cancer Syndrome; Hereditary neoplastic syndrome. Identifiers: Orphanet 140162, MedGen C0027672, MeSH D009386, MONDO:0015356.

Submission:

Ambry Genetics
Classification: Pathogenic for Cardiovascular phenotype; Hereditary cancer-predisposing syndrome. Last evaluated: 2025-02-26. Review status: criteria provided, single submitter. Criteria: Ambry Variant Classification Scheme 2023. Collection method: clinical testing. Allele origin: germline.
Comment: The c.4225_4226delAA pathogenic mutation, located in coding exon 31 of the NF1 gene, results from a deletion of two nucleotides at nucleotide positions 4225 to 4226, causing a translational frameshift with a predicted alternate stop codon (p.K1409Afs*4). This variant is considered to be rare based on population cohorts in the Genome Aggregation Database (gnomAD). This alteration is expected to result in loss of function by premature protein truncation or nonsense-mediated mRNA decay. As such, this alteration is interpreted as a disease-causing mutation.